The following is an entry in ClinVar:

NM_002582.4(PARN):c.994C>T (p.Gln332Ter)

Gene: PARN (poly(A)-specific ribonuclease; minus strand). Cytogenetic location: 16p13.12.
Variant type: single nucleotide variant.
Coding change: c.994C>T on transcript NM_002582.4 (MANE Select); coding-DNA position 994, C replaced by T.
Protein change: p.Gln332Ter; replaces glutamine 332 with a stop codon.
Molecular consequence: nonsense.
Genome position (GRCh38, 1-based): chr16:14,584,760, G>A on the plus strand (C>T on the coding strand, the complement: PARN is on the minus strand). VCF-style: chr16-14584760-G-A. GRCh37 (hg19) VCF-style: chr16-14678617-G-A.
Other names: c.811C>T, p.Gln271Ter (NM_001134477.3); c.856C>T, p.Gln286Ter (NM_001242992.2); short protein forms Q286*, Q271*, Q332*.
Identifiers: ClinVar variation 2949321 (VCV002949321.3), dbSNP rs2507867448, ClinGen allele CA394803174.

ClinVar aggregate classification (germline): Pathogenic (1 of 4 stars; one submission).

Conditions:
Dyskeratosis congenita, autosomal recessive 6 (DKCB6). Identifiers: MedGen C4225356, MONDO:0014600, OMIM 616353.
Pulmonary fibrosis and/or bone marrow failure, Telomere-related, 4. Also called: PULMONARY FIBROSIS AND/OR BONE MARROW FAILURE SYNDROME, TELOMERE-RELATED, 4. Identifiers: Orphanet 2032, MedGen C4225347, MONDO:0014612, OMIM 616371.

Submission:

Labcorp Genetics (formerly Invitae), Labcorp
Classification: Pathogenic for Dyskeratosis congenita, autosomal recessive 6; Pulmonary fibrosis and/or bone marrow failure, Telomere-related, 4. Last evaluated: 2023-06-25. Review status: criteria provided, single submitter. Criteria: Invitae Variant Classification Sherloc (09022015). Collection method: clinical testing. Allele origin: germline.
Comment: Algorithms developed to predict the effect of sequence changes on RNA splicing suggest that this variant may disrupt the consensus splice site. For these reasons, this variant has been classified as Pathogenic. This variant has not been reported in the literature in individuals affected with PARN-related conditions. This variant is not present in population databases (gnomAD no frequency). This sequence change creates a premature translational stop signal (p.Gln332*) in the PARN gene. It is expected to result in an absent or disrupted protein product. Loss-of-function variants in PARN are known to be pathogenic (PMID: 9736620, 25848748, 26810774).

Literature cited by the submitters: PubMed 9736620; PubMed 25848748; PubMed 26810774.